The following is an entry in ClinVar:

NM_013450.4(BAZ2B):c.1511A>G (p.Glu504Gly)

Gene: BAZ2B (bromodomain adjacent to zinc finger domain 2B; minus strand). Cytogenetic location: 2q24.2.
Variant type: single nucleotide variant.
Coding change: c.1511A>G on transcript NM_013450.4 (MANE Select); coding-DNA position 1511, A replaced by G.
Protein change: p.Glu504Gly; replaces glutamic acid 504 with glycine.
Molecular consequence: missense variant.
Genome position (GRCh38, 1-based): chr2:159,433,146, T>C on the plus strand (A>G on the coding strand, the complement: BAZ2B is on the minus strand). VCF-style: chr2-159433146-T-C. GRCh37 (hg19) VCF-style: chr2-160289657-T-C.
Other names: c.1505A>G, p.Glu502Gly (NM_001289975.1); c.1322A>G, p.Glu441Gly (NM_001329857.2); c.1511A>G, p.Glu504Gly (NM_001329858.2); short protein forms E441G, E502G, E504G.
Identifiers: ClinVar variation 3899169 (VCV003899169.1).

ClinVar aggregate classification (germline): Uncertain significance (1 of 4 stars; one submission).

gnomAD v4.1: 2 of 1,614,188 alleles (0.00012%); highest among the groups gnomAD compares: Non-Finnish European, 0.00017%; no homozygotes.

Submission:

GeneDx
Classification: Uncertain significance. Last evaluated: 2024-11-07. Review status: criteria provided, single submitter. Criteria: GeneDx Variant Classification Process June 2021. Collection method: clinical testing. Allele origin: germline. Affected: yes.
Comment: Not observed at significant frequency in large population cohorts (gnomAD); In silico analysis supports that this missense variant has a deleterious effect on protein structure/function; Has not been previously published as pathogenic or benign to our knowledge